The following is an entry in ClinVar:

NM_021008.4(DEAF1):c.44_73del (p.Glu15_Ala24del)

Gene: DEAF1 (DEAF1 transcription factor; minus strand). Cytogenetic location: 11p15.5.
Variant type: Deletion.
Coding change: c.44_73del on transcript NM_021008.4 (MANE Select); coding-DNA positions 44 to 73, 30 bases deleted (AGGCGGCGGCGGTGGCGGCCGCGGCCGCTG).
Protein change: p.Glu15_Ala24del.
Molecular consequence: inframe deletion. On other transcripts: inframe indel (1), intron variant (1).
Genome position (GRCh38, 1-based): chr11:694,975-695,004, CAGCGGCCGCGGCCGCCACCGCCGCCGCCT deleted on the plus strand (AGGCGGCGGCGGTGGCGGCCGCGGCCGCTG on the coding strand, the reverse complement: DEAF1 is on the minus strand); deleting any 30 consecutive bases within chr11:694,975-695,008 gives the same sequence; the c. name uses the placement nearest the transcript's 3' end. VCF-style (leftmost placement, unchanged base first): chr11-694974-ACAGCGGCCGCGGCCGCCACCGCCGCCGCCT-A. GRCh37 (hg19) VCF-style: chr11-694974-ACAGCGGCCGCGGCCGCCACCGCCGCCGCCT-A.
Other names: c.40_69del30, p.Glu15_Ala24del (NM_001293634.2); c.-437-3406_-437-3377del (NM_001367390.1).
Identifiers: ClinVar variation 1383513 (VCV001383513.6), dbSNP rs1861053733, ClinGen allele CA597021101.
Genomic context (GRCh38, chr11:694,974, plus strand): 5'-TCCCTGCTCAGCACCGGCTCCTCCGCCTCGCCTCCTGCCGCGGCCGCGGCCGCCGCCGCC[ACAGCGGCCGCGGCCGCCACCGCCGCCGCCT>A]CAGCCAGGCCCAGCTGCTTTGCCGCCGAGTCCGAGTCCTCCATCCGGACTCCGCCGAGCC-3'

ClinVar aggregate classification (germline): Uncertain significance (1 of 4 stars; one submission).

Submission:

Labcorp Genetics (formerly Invitae), Labcorp
Classification: Uncertain significance. Last evaluated: 2022-10-11. Review status: criteria provided, single submitter. Criteria: Invitae Variant Classification Sherloc (09022015). Collection method: clinical testing. Allele origin: germline.
Comment: In summary, the available evidence is currently insufficient to determine the role of this variant in disease. Therefore, it has been classified as a Variant of Uncertain Significance. Experimental studies and prediction algorithms are not available or were not evaluated, and the functional significance of this variant is currently unknown. ClinVar contains an entry for this variant (Variation ID: 1383513). This variant has not been reported in the literature in individuals affected with DEAF1-related conditions. The frequency data for this variant in the population databases is considered unreliable, as metrics indicate poor data quality at this position in the gnomAD database. This variant, c.44_73del, results in the deletion of 10 amino acid(s) of the DEAF1 protein (p.Glu15_Ala24del), but otherwise preserves the integrity of the reading frame.